The following is an entry in ClinVar:

ClinVar aggregate classification (germline): Uncertain significance (1 of 4 stars; one submission).

Allele frequency attached by ClinVar (database versions not stated): gnomAD exomes below 0.00001; TOPMed 0.00002.
gnomAD v4.1: 2 of 1,614,100 alleles (0.00012%); highest among the groups gnomAD compares: Admixed American, 0.0033%; no homozygotes.

Submission:

Labcorp Genetics (formerly Invitae), Labcorp
Classification: Uncertain significance. Last evaluated: 2022-10-13. Review status: criteria provided, single submitter. Criteria: Invitae Variant Classification Sherloc (09022015). Collection method: clinical testing. Allele origin: germline.
Comment: Advanced modeling of protein sequence and biophysical properties (such as structural, functional, and spatial information, amino acid conservation, physicochemical variation, residue mobility, and thermodynamic stability) performed at Invitae indicates that this missense variant is not expected to disrupt UBE3B protein function. This variant has not been reported in the literature in individuals affected with UBE3B-related conditions. This variant is present in population databases (no rsID available, gnomAD no frequency). This sequence change replaces leucine, which is neutral and non-polar, with valine, which is neutral and non-polar, at codon 224 of the UBE3B protein (p.Leu224Val). In summary, the available evidence is currently insufficient to determine the role of this variant in disease. Therefore, it has been classified as a Variant of Uncertain Significance.

NM_130466.4(UBE3B):c.670C>G (p.Leu224Val)

Gene: UBE3B (ubiquitin protein ligase E3B; plus strand). Cytogenetic location: 12q24.11.
Variant type: single nucleotide variant.
Coding change: c.670C>G on transcript NM_130466.4 (MANE Select); coding-DNA position 670, C replaced by G.
Protein change: p.Leu224Val; replaces leucine 224 with valine.
Molecular consequence: missense variant.
Genome position (GRCh38, 1-based): chr12:109,491,084, C>G. VCF-style: chr12-109491084-C-G. GRCh37 (hg19) VCF-style: chr12-109928889-C-G.
Other names: c.670C>G, p.Leu224Val (NM_183415.3); short protein forms L224V.
Identifiers: ClinVar variation 1979354 (VCV001979354.4), dbSNP rs1304566246, ClinGen allele CA386633325.